The following is an entry in ClinVar:

NM_000038.6(APC):c.1887_1894del (p.Leu629fs)

Gene: APC (APC regulator of Wnt signaling pathway; plus strand). Cytogenetic location: 5q22.2.
Variant type: Deletion.
Coding change: c.1887_1894del on transcript NM_000038.6 (MANE Select); coding-DNA positions 1887 to 1894, 8 bases deleted (AGCCATTA; older notation c.1887_1894delAGCCATTA).
Protein change: p.Leu629fs; shifts the reading frame from leucine 629.
Molecular consequence: frameshift variant.
Genome position (GRCh38, 1-based): chr5:112,835,094-112,835,101, AGCCATTA deleted. VCF-style (leftmost placement, unchanged base first): chr5-112835093-TAGCCATTA-T. GRCh37 (hg19) VCF-style: chr5-112170790-TAGCCATTA-T.
Other names: c.1887_1894del, p.Leu629fs (NM_001127510.3, NM_001354895.2); c.1833_1840del, p.Leu611fs (NM_001127511.3); c.1941_1948del, p.Leu647fs (NM_001354896.2); c.1917_1924del, p.Leu639fs (NM_001354897.2); c.1812_1819del, p.Leu604fs (NM_001354898.2); c.1803_1810del, p.Leu601fs (NM_001354899.2); c.1764_1771del, p.Leu588fs (NM_001354900.2); c.1710_1717del, p.Leu570fs (NM_001354901.2); and 5 more; short protein forms L469fs, L629fs, L528fs, L570fs, L611fs, L639fs, L503fs, L588fs.
Identifiers: ClinVar variation 1452193 (VCV001452193.6), dbSNP rs2149843371, ClinGen allele CA2573138914.

ClinVar aggregate classification (germline): Pathogenic (1 of 4 stars; one submission).

Conditions:
Familial adenomatous polyposis 1 (FAP1). Also called: POLYPOSIS, ADENOMATOUS INTESTINAL; FAMILIAL ADENOMATOUS POLYPOSIS 1, ATTENUATED. Identifiers: MedGen C2713442, MONDO:0021056, OMIM 175100. Disease mechanism: loss of function.

Submission:

Labcorp Genetics (formerly Invitae), Labcorp
Classification: Pathogenic for Familial adenomatous polyposis 1. Last evaluated: 2023-07-14. Review status: criteria provided, single submitter. Criteria: Invitae Variant Classification Sherloc (09022015). Collection method: clinical testing. Allele origin: germline.
Comment: For these reasons, this variant has been classified as Pathogenic. ClinVar contains an entry for this variant (Variation ID: 1452193). This variant has not been reported in the literature in individuals affected with APC-related conditions. This variant is not present in population databases (gnomAD no frequency). This sequence change creates a premature translational stop signal (p.Leu629Phefs*2) in the APC gene. It is expected to result in an absent or disrupted protein product. Loss-of-function variants in APC are known to be pathogenic (PMID: 17963004, 20685668).

Literature cited by the submitters: PubMed 17963004; PubMed 20685668.